The following is an entry in ClinVar:

NM_000155.4(GALT):c.633_638delinsACAG (p.Ser211fs)

Gene: GALT (galactose-1-phosphate uridylyltransferase; plus strand). Cytogenetic location: 9p13.3.
Variant type: Indel.
Coding change: c.633_638delinsACAG on transcript NM_000155.4 (MANE Select); coding-DNA positions 633 to 638, TCAGCA replaced by ACAG.
Protein change: p.Ser211fs; shifts the reading frame from serine 211.
Molecular consequence: frameshift variant.
Genome position (GRCh38, 1-based): chr9:34,648,402-34,648,407, TCAGCA replaced by ACAG. VCF-style: chr9-34648402-TCAGCA-ACAG. GRCh37 (hg19) VCF-style: chr9-34648399-TCAGCA-ACAG.
Other names: c.306_311delinsACAG, p.Ser102fs (NM_001258332.2); short protein forms S102fs, S211fs.
Identifiers: ClinVar variation 5011377 (VCV005011377.1).
Genomic context (GRCh38, chr9:34,648,402, plus strand): 5'-CAGCAGTTTCCTGCCAGATATTGCCCAGCGTGAGGAGCGATCTCAGCAGGCCTATAAGAG[TCAGCA>ACAG]TGGAGAGCCCCTGCTAATGGAGTACAGCCGCCAGGAGCTACTCAGGAAGGTGGGAGAGAG-3'

ClinVar aggregate classification (germline): Pathogenic (1 of 4 stars; one submission).

Conditions:
Deficiency of UDPglucose-hexose-1-phosphate uridylyltransferase. Also called: GALACTOSE-1-PHOSPHATE URIDYLYLTRANSFERASE DEFICIENCY; GALT deficiency; Galactosemia, classic; Transferase Deficiency Galactosemia; GALACTOSEMIA I. Identifiers: Orphanet 352, Orphanet 79239, MedGen C0268151, MONDO:0009258, OMIM 230400.

Submission:

Myriad Genetics, Inc.
Classification: Pathogenic for Deficiency of UDPglucose-hexose-1-phosphate uridylyltransferase. Last evaluated: 2023-08-17. Review status: criteria provided, single submitter. Criteria: Myriad Autosomal Dominant, Autosomal Recessive and X-Linked Classification Criteria (2023). Collection method: clinical testing. Allele origin: unknown.
Comment: NM_000155.3(GALT):c.633_638del6ins4(S211Rfs*26) is expected to be pathogenic in the context of galactosemia. This variant is predicted to lead to an abnormal or absent protein product due to the creation of a premature termination codon in GALT, a gene where loss-of-function variants are known to be pathogenic. Please note: this variant was assessed in the context of healthy population screening.